The following is an entry in ClinVar:

NM_031471.6(FERMT3):c.1092G>A (p.Leu364=)

Gene: FERMT3 (FERM domain containing kindlin 3; plus strand). Cytogenetic location: 11q13.1.
Variant type: single nucleotide variant.
Coding change: c.1092G>A on transcript NM_031471.6 (MANE Select); coding-DNA position 1092, G replaced by A.
Protein change: p.Leu364=; no amino-acid change (leucine 364 retained).
Molecular consequence: synonymous variant.
Genome position (GRCh38, 1-based): chr11:64,219,903, G>A. VCF-style: chr11-64219903-G-A. GRCh37 (hg19) VCF-style: chr11-63987375-G-A.
Other names: c.1092G>A, p.Leu364= (NM_001382361.1, NM_001382448.1); c.1104G>A, p.Leu368= (NM_001382362.1, NM_178443.3); c.552G>A, p.Leu184= (NM_001382363.1); c.564G>A, p.Leu188= (NM_001382364.1).
Identifiers: ClinVar variation 3898227 (VCV003898227.7).

ClinVar aggregate classification (germline): Likely benign (1 of 4 stars; one submission).

Submission:

CeGaT Center for Human Genetics Tuebingen
Classification: Likely benign. Last evaluated: 2025-04-01. Review status: criteria provided, single submitter. Criteria: CeGaT Center For Human Genetics Tuebingen Variant Classification Criteria Version 2. Collection method: clinical testing. Allele origin: germline. Affected: yes. Observed: 1 variant allele.
Comment: FERMT3: BP4, BP7